The following is an entry in ClinVar:

NM_016180.5(SLC45A2):c.448G>A (p.Val150Ile)

Gene: SLC45A2 (solute carrier family 45 member 2; minus strand). Cytogenetic location: 5p13.2.
Variant type: single nucleotide variant.
Coding change: c.448G>A on transcript NM_016180.5 (MANE Select); coding-DNA position 448, G replaced by A.
Protein change: p.Val150Ile; replaces valine 150 with isoleucine.
Molecular consequence: missense variant.
Genome position (GRCh38, 1-based): chr5:33,982,350, C>T on the plus strand (G>A on the coding strand, the complement: SLC45A2 is on the minus strand). VCF-style: chr5-33982350-C-T. GRCh37 (hg19) VCF-style: chr5-33982455-C-T.
Other names: c.448G>A, p.Val150Ile (NM_001012509.4, NM_001297417.4); short protein forms V150I.
Identifiers: ClinVar variation 2045318 (VCV002045318.2), dbSNP rs150033963, ClinGen allele CA3225788.

ClinVar aggregate classification (germline): Uncertain significance (1 of 4 stars; one submission).

Allele frequency attached by ClinVar (database versions not stated): TOPMed 0.00005; ExAC 0.00004; gnomAD 0.00002; gnomAD exomes 0.00002; ESP Exome Variant Server 0.00008.
gnomAD v4.1: 30 of 1,614,002 alleles (0.0019%); highest among the groups gnomAD compares: African/African-American, 0.004%; no homozygotes.

Submission:

Labcorp Genetics (formerly Invitae), Labcorp
Classification: Uncertain significance. Last evaluated: 2025-02-19. Review status: criteria provided, single submitter. Criteria: Invitae Variant Classification Sherloc (09022015). Collection method: clinical testing. Allele origin: germline.
Comment: This sequence change replaces valine, which is neutral and non-polar, with isoleucine, which is neutral and non-polar, at codon 150 of the SLC45A2 protein (p.Val150Ile). This variant is present in population databases (rs150033963, gnomAD 0.007%). This variant has not been reported in the literature in individuals affected with SLC45A2-related conditions. ClinVar contains an entry for this variant (Variation ID: 2045318). Invitae Evidence Modeling of protein sequence and biophysical properties (such as structural, functional, and spatial information, amino acid conservation, physicochemical variation, residue mobility, and thermodynamic stability) indicates that this missense variant is not expected to disrupt SLC45A2 protein function with a negative predictive value of 80%. In summary, the available evidence is currently insufficient to determine the role of this variant in disease. Therefore, it has been classified as a Variant of Uncertain Significance.